The following is an entry in ClinVar:

NM_018163.3(DNAJC17):c.818A>C (p.Tyr273Ser)

Gene: DNAJC17 (DnaJ heat shock protein family (Hsp40) member C17; minus strand). Cytogenetic location: 15q15.1.
Variant type: single nucleotide variant.
Coding change: c.818A>C on transcript NM_018163.3 (MANE Select); coding-DNA position 818, A replaced by C.
Protein change: p.Tyr273Ser; replaces tyrosine 273 with serine.
Molecular consequence: missense variant.
Genome position (GRCh38, 1-based): chr15:40,768,037, T>G on the plus strand (A>C on the coding strand, the complement: DNAJC17 is on the minus strand). VCF-style: chr15-40768037-T-G. GRCh37 (hg19) VCF-style: chr15-41060235-T-G.
Other names: short protein forms Y273S.
Identifiers: ClinVar variation 2781712 (VCV002781712.3), dbSNP rs1179899333, ClinGen allele CA391756843.

ClinVar aggregate classification (germline): Uncertain significance (1 of 4 stars; one submission).

Allele frequency attached by ClinVar (database versions not stated): gnomAD 0.00001.
gnomAD v4.1: 3 of 1,590,840 alleles (0.00019%); highest among the groups gnomAD compares: Non-Finnish European, 0.00026%; no homozygotes.

Submission:

Labcorp Genetics (formerly Invitae), Labcorp
Classification: Uncertain significance. Last evaluated: 2023-12-25. Review status: criteria provided, single submitter. Criteria: Invitae Variant Classification Sherloc (09022015). Collection method: clinical testing. Allele origin: germline.
Comment: This sequence change replaces tyrosine, which is neutral and polar, with serine, which is neutral and polar, at codon 273 of the DNAJC17 protein (p.Tyr273Ser). This variant is present in population databases (no rsID available, gnomAD 0.002%). This variant has not been reported in the literature in individuals affected with DNAJC17-related conditions. An algorithm developed to predict the effect of missense changes on protein structure and function (PolyPhen-2) suggests that this variant is likely to be disruptive. In summary, the available evidence is currently insufficient to determine the role of this variant in disease. Therefore, it has been classified as a Variant of Uncertain Significance.